The following is an entry in ClinVar:

NM_001853.4(COL9A3):c.473C>G (p.Pro158Arg)

Gene: COL9A3 (collagen type IX alpha 3 chain; plus strand). Cytogenetic location: 20q13.33.
Variant type: single nucleotide variant.
Coding change: c.473C>G on transcript NM_001853.4 (MANE Select); coding-DNA position 473, C replaced by G.
Protein change: p.Pro158Arg; replaces proline 158 with arginine.
Molecular consequence: missense variant.
Genome position (GRCh38, 1-based): chr20:62,822,160, C>G. VCF-style: chr20-62822160-C-G. GRCh37 (hg19) VCF-style: chr20-61453512-C-G.
Other names: short protein forms P158R.
Identifiers: ClinVar variation 5017229 (VCV005017229.1).
Genomic context (GRCh38, chr20:62,822,160, plus strand): 5'-CCCCTCCCCAGGGACCTTCTGGACTCCCCGGCCTCCCTGGTCCCCCAGGACCTCCCGGAC[C>G]CCCTGTAAGTACTGGGCAGAGGCTCTAAGAAGTGCTGGGCATGGACTAGGACACTGGGTT-3'
Protein context (NP_001844.3, residues 148-168): GLPGPPGPPG[Pro158Arg]PGHPGVLPEG

ClinVar aggregate classification (germline): Uncertain significance (1 of 4 stars; one submission).

gnomAD v4.1: 18 of 1,569,848 alleles (0.0011%); highest among the groups gnomAD compares: Non-Finnish European, 0.0016%; no homozygotes.

Submission:

GeneDx
Classification: Uncertain significance. Last evaluated: 2026-03-22. Review status: criteria provided, single submitter. Criteria: GeneDx Variant Classification Process June 2021. Collection method: clinical testing. Allele origin: germline.
Comment: Not observed at significant frequency in large population cohorts (gnomAD); In silico analysis supports that this missense variant has a deleterious effect on protein structure/function; Has not been previously published as pathogenic or benign to our knowledge